The following is an entry in ClinVar:

NM_001127222.2(CACNA1A):c.2996del (p.Gly999fs)

Gene: CACNA1A (calcium voltage-gated channel subunit alpha1 A; minus strand). Cytogenetic location: 19p13.13.
Variant type: Deletion.
Coding change: c.2996del on transcript NM_001127222.2 (MANE Select); coding-DNA position 2996, one base deleted (G; older notation c.2996delG).
Protein change: p.Gly999fs; shifts the reading frame from glycine 999.
Molecular consequence: frameshift variant.
Genome position (GRCh38, 1-based): chr19:13,298,637, C deleted on the plus strand (G on the coding strand, the reverse complement: CACNA1A is on the minus strand); the first of 5 consecutive C bases (chr19:13,298,637-13,298,641); deleting any one gives the same sequence. VCF-style (leftmost placement, unchanged base first): chr19-13298636-GC-G. GRCh37 (hg19) VCF-style: chr19-13409450-GC-G.
Other names: c.3008del, p.Gly1003fs (NM_000068.4, NM_023035.3); c.2999del, p.Gly1000fs (NM_001127221.2, NM_001174080.2); short protein forms G1003fs, G999fs, G1000fs.
Identifiers: ClinVar variation 2070965 (VCV002070965.4), dbSNP rs2057721188, ClinGen allele CA2580096600.

ClinVar aggregate classification (germline): Pathogenic (1 of 4 stars; one submission).

Conditions:
Developmental and epileptic encephalopathy, 42 (DEE42A). Also called: DEVELOPMENTAL AND EPILEPTIC ENCEPHALOPATHY 42A; EPILEPTIC ENCEPHALOPATHY, EARLY INFANTILE, 42A; Epileptic encephalopathy, early infantile, 42. Identifiers: MedGen C4310716, MONDO:0014917, OMIM 617106.
Episodic ataxia type 2 (EA2). Also called: ACETAZOLAMIDE-RESPONSIVE HEREDITARY PAROXYSMAL CEREBELLAR ATAXIA; ATAXIA, EPISODIC, WITH NYSTAGMUS; ATAXIA, FAMILIAL PAROXYSMAL; CEREBELLAR ATAXIA, PAROXYSMAL, ACETAZOLAMIDE-RESPONSIVE; CEREBELLOPATHY, HEREDITARY PAROXYSMAL; EPISODIC ATAXIA, NYSTAGMUS-ASSOCIATED. Identifiers: Orphanet 97, MedGen C1720416, MONDO:0007163, OMIM 108500.

Submission:

Labcorp Genetics (formerly Invitae), Labcorp
Classification: Pathogenic for Developmental and epileptic encephalopathy, 42; Episodic ataxia type 2. Last evaluated: 2024-05-02. Review status: criteria provided, single submitter. Criteria: Invitae Variant Classification Sherloc (09022015). Collection method: clinical testing. Allele origin: germline.
Comment: This sequence change creates a premature translational stop signal (p.Gly1000Alafs*70) in the CACNA1A gene. It is expected to result in an absent or disrupted protein product. Loss-of-function variants in CACNA1A are known to be pathogenic (PMID: 10371528, 19486177, 25735478, 27250579). This variant is not present in population databases (gnomAD no frequency). This variant has not been reported in the literature in individuals affected with CACNA1A-related conditions. ClinVar contains an entry for this variant (Variation ID: 2070965). For these reasons, this variant has been classified as Pathogenic.

Literature cited by the submitters: PubMed 10371528; PubMed 19486177; PubMed 25735478; PubMed 27250579.